The following is an entry in ClinVar:

ClinVar aggregate classification (germline): Uncertain significance. Review status: criteria provided, multiple submitters, no conflicts (2 of 4 stars). 3 submissions from 3 submitters: Uncertain significance (3). Last evaluated 2025-02-11.

Conditions:
Inborn genetic diseases. Identifiers: MedGen C0950123, MeSH D030342.

Allele frequency attached by ClinVar (database versions not stated): gnomAD exomes 0.00001.
gnomAD v4.1: 26 of 1,613,448 alleles (0.0016%); highest among the groups gnomAD compares: Non-Finnish European, 0.0022%; no homozygotes.

Submissions (3):

Ambry Genetics
Classification: Uncertain significance for Inborn genetic diseases. Last evaluated: 2025-02-11. Review status: criteria provided, single submitter. Criteria: Ambry Variant Classification Scheme 2023. Collection method: clinical testing. Allele origin: germline.
Comment: The p.A922T variant (also known as c.2764G>A), located in coding exon 1 of the SAMD9 gene, results from a G to A substitution at nucleotide position 2764. The alanine at codon 922 is replaced by threonine, an amino acid with similar properties. This amino acid position is conserved. In addition, this alteration is predicted to be tolerated by in silico analysis. Based on the available evidence, the clinical significance of this variant remains unclear.

Labcorp Genetics (formerly Invitae), Labcorp
Classification: Uncertain significance. Last evaluated: 2022-09-28. Review status: criteria provided, single submitter. Criteria: Invitae Variant Classification Sherloc (09022015). Collection method: clinical testing. Allele origin: germline.
Comment: This sequence change replaces alanine, which is neutral and non-polar, with threonine, which is neutral and polar, at codon 922 of the SAMD9 protein (p.Ala922Thr). This variant is present in population databases (no rsID available, gnomAD 0.002%). This variant has not been reported in the literature in individuals affected with SAMD9-related conditions. ClinVar contains an entry for this variant (Variation ID: 1507883). Algorithms developed to predict the effect of missense changes on protein structure and function output the following: SIFT: "Tolerated"; PolyPhen-2: "Benign"; Align-GVGD: "Class C0". The threonine amino acid residue is found in multiple mammalian species, which suggests that this missense change does not adversely affect protein function. In summary, the available evidence is currently insufficient to determine the role of this variant in disease. Therefore, it has been classified as a Variant of Uncertain Significance.

GeneDx
Classification: Uncertain significance. Last evaluated: 2022-09-01. Review status: criteria provided, single submitter. Criteria: GeneDx Variant Classification Process June 2021. Collection method: clinical testing. Allele origin: germline. Affected: yes.
Comment: Not observed at significant frequency in large population cohorts (gnomAD); In silico analysis supports that this missense variant has a deleterious effect on protein structure/function; Has not been previously published as pathogenic or benign to our knowledge; This variant is associated with the following publications: (PMID: 28545555)

NM_017654.4(SAMD9):c.2764G>A (p.Ala922Thr)

Gene: SAMD9 (sterile alpha motif domain containing 9; minus strand). Cytogenetic location: 7q21.2.
Variant type: single nucleotide variant.
Coding change: c.2764G>A on transcript NM_017654.4 (MANE Select); coding-DNA position 2764, G replaced by A.
Protein change: p.Ala922Thr; replaces alanine 922 with threonine.
Molecular consequence: missense variant.
Genome position (GRCh38, 1-based): chr7:93,103,334, C>T on the plus strand (G>A on the coding strand, the complement: SAMD9 is on the minus strand). VCF-style: chr7-93103334-C-T. GRCh37 (hg19) VCF-style: chr7-92732647-C-T.
Other names: c.2764G>A, p.Ala922Thr (NM_001193307.2); c.2764G>A (NM_017654.3); short protein forms A922T.
Identifiers: ClinVar variation 1507883 (VCV001507883.4), dbSNP rs369626579, ClinGen allele CA368189597.
Genomic context (GRCh38, chr7:93,103,334, plus strand): 5'-AGAATTTTTCACACTGTGATAGTGAAATGGTGGTATCAGGCACATATGAATTAAGAAGAG[C>T]CAGAAAAGAAAAGAGCTTTGCTTCCTTGGTGAAAATATTCTGCCCTTTCAGGATATTCCG-3'
Protein context (NP_060124.2, residues 912-932): TKEAKLFSFL[Ala922Thr]LLNSYVPDTT